The following is an entry in ClinVar:

NM_144701.3(IL23R):c.1742G>C (p.Ser581Thr)

Gene: IL23R (interleukin 23 receptor; plus strand). Cytogenetic location: 1p31.3.
Variant type: single nucleotide variant.
Coding change: c.1742G>C on transcript NM_144701.3 (MANE Select); coding-DNA position 1742, G replaced by C.
Protein change: p.Ser581Thr; replaces serine 581 with threonine.
Molecular consequence: missense variant.
Genome position (GRCh38, 1-based): chr1:67,258,980, G>C. VCF-style: chr1-67258980-G-C. GRCh37 (hg19) VCF-style: chr1-67724663-G-C.
Other names: short protein forms S581T.
Identifiers: ClinVar variation 3002688 (VCV003002688.3), dbSNP rs768272736, ClinGen allele CA900050.

ClinVar aggregate classification (germline): Uncertain significance (1 of 4 stars; one submission).

Allele frequency attached by ClinVar (database versions not stated): TOPMed below 0.00001; ExAC 0.00001; gnomAD 0.00001; gnomAD exomes 0.00001.
gnomAD v4.1: 19 of 1,613,980 alleles (0.0012%); highest among the groups gnomAD compares: Non-Finnish European, 0.0016%; no homozygotes.

Submission:

Labcorp Genetics (formerly Invitae), Labcorp
Classification: Uncertain significance. Last evaluated: 2023-08-16. Review status: criteria provided, single submitter. Criteria: Invitae Variant Classification Sherloc (09022015). Collection method: clinical testing. Allele origin: germline.
Comment: In summary, the available evidence is currently insufficient to determine the role of this variant in disease. Therefore, it has been classified as a Variant of Uncertain Significance. An algorithm developed to predict the effect of missense changes on protein structure and function (PolyPhen-2) suggests that this variant is likely to be tolerated. This variant has not been reported in the literature in individuals affected with IL23R-related conditions. This variant is present in population databases (rs768272736, gnomAD 0.002%). This sequence change replaces serine, which is neutral and polar, with threonine, which is neutral and polar, at codon 581 of the IL23R protein (p.Ser581Thr).